The following is an entry in ClinVar:

NM_001267550.2(TTN):c.45839C>T (p.Ser15280Phe)

Gene: TTN (titin; minus strand). Cytogenetic location: 2q31.2.
Variant type: single nucleotide variant.
Coding change: c.45839C>T on transcript NM_001267550.2 (MANE Select); coding-DNA position 45839, C replaced by T.
Protein change: p.Ser15280Phe; replaces serine 15280 with phenylalanine.
Molecular consequence: missense variant.
Genome position (GRCh38, 1-based): chr2:178,620,771, G>A on the plus strand (C>T on the coding strand, the complement: TTN is on the minus strand). VCF-style: chr2-178620771-G-A. GRCh37 (hg19) VCF-style: chr2-179485498-G-A.
Other names: c.40916C>T, p.Ser13639Phe (NM_001256850.1); c.18644C>T, p.Ser6215Phe (NM_003319.4); c.38135C>T, p.Ser12712Phe (NM_133378.4); c.19019C>T, p.Ser6340Phe (NM_133432.3); c.19220C>T, p.Ser6407Phe (NM_133437.4); short protein forms S12712F, S13639F, S15280F, S6215F, S6340F, S6407F.
Identifiers: ClinVar variation 1329156 (VCV001329156.29), dbSNP rs763279178, ClinGen allele CA1995359.

ClinVar aggregate classification (germline): Conflicting classifications of pathogenicity. Review status: criteria provided, conflicting classifications (1 of 4 stars). 5 submissions from 5 submitters: Uncertain significance (3); Likely benign (2). Last evaluated 2025-04-09.

Conditions:
Cardiomyopathy (CMYO). Also called: Cardiomyopathies. Identifiers: Orphanet 167848, MedGen C0878544, MONDO:0004994, HP:0001638. Inheritance: Various modes of inheritance.

Allele frequency attached by ClinVar (database versions not stated): gnomAD exomes below 0.00001 and 0.00001; ExAC 0.00001; TOPMed 0.00001.
gnomAD v4.1: 2 of 1,612,790 alleles (0.00012%); highest among the groups gnomAD compares: Non-Finnish European, 0.00017%; no homozygotes.

Submissions (5):

Molecular Diagnostic Laboratory for Inherited Cardiovascular Disease, Montreal Heart Institute
Classification: Likely benign. Last evaluated: 2025-04-09. Review status: criteria provided, single submitter. Criteria: ACMG Guidelines, 2015. Collection method: clinical testing. Allele origin: germline. Affected: no.
Comment: BP1

Revvity Omics, Revvity
Classification: Uncertain significance. Last evaluated: 2025-03-19. Review status: criteria provided, single submitter. Criteria: ACMG Guidelines, 2015. Collection method: clinical testing. Allele origin: germline.

Blueprint Genetics
Classification: Likely benign. Last evaluated: 2024-03-28. Review status: criteria provided, single submitter. Criteria: ACMG Guidelines, 2015. Collection method: clinical testing. Allele origin: germline.

CeGaT Center for Human Genetics Tuebingen
Classification: Uncertain significance. Last evaluated: 2023-09-01. Review status: criteria provided, single submitter. Criteria: CeGaT Center For Human Genetics Tuebingen Variant Classification Criteria Version 2. Collection method: clinical testing. Allele origin: germline. Affected: yes. Observed: 1 variant allele.
Comment: TTN: PM2

CHEO Genetics Diagnostic Laboratory, Children's Hospital of Eastern Ontario
Classification: Uncertain significance for Cardiomyopathy. Last evaluated: 2020-08-19. Review status: criteria provided, single submitter. Criteria: ACMG Guidelines, 2015. Collection method: clinical testing. Allele origin: germline.